The following is an entry in ClinVar:

ClinVar aggregate classification (germline): Benign/Likely benign. Review status: criteria provided, multiple submitters, no conflicts (2 of 4 stars). 4 submissions from 4 submitters: Benign (1); Likely benign (2). 1 of the submissions does not count toward it. Last evaluated 2026-01-17.

Conditions:
GGCX-related disorder. Also called: GGCX-related condition; GGCX - Related Disorders.

Allele frequency attached by ClinVar (database versions not stated): ExAC 0.00079; 1000 Genomes Project 0.00240; 1000 Genomes Project 30x 0.00250; ESP Exome Variant Server 0.00308.
gnomAD v4.1: 743 of 1,590,922 alleles (0.047%); highest among the groups gnomAD compares: African/African-American, 0.89%; 4 homozygotes.

Submissions (4):

Labcorp Genetics (formerly Invitae), Labcorp
Classification: Benign. Last evaluated: 2026-01-17. Review status: criteria provided, single submitter. Criteria: Invitae Variant Classification Sherloc (09022015). Collection method: clinical testing. Allele origin: germline.

CeGaT Center for Human Genetics Tuebingen
Classification: Likely benign. Last evaluated: 2025-06-01. Review status: criteria provided, single submitter. Criteria: CeGaT Center For Human Genetics Tuebingen Variant Classification Criteria Version 2. Collection method: clinical testing. Allele origin: germline. Affected: yes. Observed: 2 variant alleles.
Comment: GGCX: BP4, BS2

Blueprint Genetics
Classification: Likely benign. Last evaluated: 2024-11-13. Review status: criteria provided, single submitter. Criteria: ACMG Guidelines, 2015. Collection method: clinical testing. Allele origin: germline.

PreventionGenetics, part of Exact Sciences
Classification: Benign for GGCX-related condition. Last evaluated: 2019-08-28. Review status: no assertion criteria provided. Collection method: clinical testing. Allele origin: germline. Not counted in ClinVar's aggregate classification.
Comment: This variant is classified as benign based on ACMG/AMP sequence variant interpretation guidelines (Richards et al. 2015 PMID: 25741868, with internal and published modifications).

NM_000821.7(GGCX):c.618+5A>G

Gene: GGCX (gamma-glutamyl carboxylase; minus strand). Cytogenetic location: 2p11.2.
Variant type: single nucleotide variant.
Coding change: c.618+5A>G on transcript NM_000821.7 (MANE Select); 5 bases into the intron after coding-DNA position 618, A replaced by G.
Molecular consequence: intron variant.
Genome position (GRCh38, 1-based): chr2:85,556,177, T>C on the plus strand (A>G on the coding strand, the complement: GGCX is on the minus strand). VCF-style: chr2-85556177-T-C. GRCh37 (hg19) VCF-style: chr2-85783300-T-C.
Other names: c.618+5A>G (NM_000821.6); c.447+5A>G (NM_001142269.4).
Identifiers: ClinVar variation 1599327 (VCV001599327.34), dbSNP rs200623552, ClinGen allele CA1742061.